The following is an entry in ClinVar:

ClinVar aggregate classification (germline): Uncertain significance (1 of 4 stars; one submission).

Allele frequency attached by ClinVar (database versions not stated): ExAC 0.00003; gnomAD exomes 0.00004 and 0.00007; TOPMed 0.00009; gnomAD 0.00010 and 0.00011.
gnomAD v4.1: 111 of 1,612,446 alleles (0.0069%); highest among the groups gnomAD compares: African/African-American, 0.02%; no homozygotes.

Submission:

Labcorp Genetics (formerly Invitae), Labcorp
Classification: Uncertain significance. Last evaluated: 2025-12-05. Review status: criteria provided, single submitter. Criteria: Invitae Variant Classification Sherloc (09022015). Collection method: clinical testing. Allele origin: germline.
Comment: This sequence change falls in intron 8 of the CLTC gene. It does not directly change the encoded amino acid sequence of the CLTC protein. It affects a nucleotide within the consensus splice site. This variant is present in population databases (rs775354587, gnomAD 0.01%). This variant has not been reported in the literature in individuals affected with CLTC-related conditions. ClinVar contains an entry for this variant (Variation ID: 1424515). Variants that disrupt the consensus splice site are a relatively common cause of aberrant splicing (PMID: 17576681, 9536098). Algorithms developed to predict the effect of sequence changes on RNA splicing suggest that this variant is not likely to affect RNA splicing. In summary, the available evidence is currently insufficient to determine the role of this variant in disease. Therefore, it has been classified as a Variant of Uncertain Significance.

Literature cited by the submitters: PubMed 17576681; PubMed 9536098.

NM_004859.4(CLTC):c.1368+5G>A

Gene: CLTC (clathrin heavy chain; plus strand). Cytogenetic location: 17q23.1.
Variant type: single nucleotide variant.
Coding change: c.1368+5G>A on transcript NM_004859.4 (MANE Select); 5 bases into the intron after coding-DNA position 1368, G replaced by A.
Molecular consequence: intron variant.
Genome position (GRCh38, 1-based): chr17:59,661,648, G>A. VCF-style: chr17-59661648-G-A. GRCh37 (hg19) VCF-style: chr17-57739009-G-A.
Other names: c.1380+5G>A (NM_001288653.2).
Identifiers: ClinVar variation 1424515 (VCV001424515.6), dbSNP rs775354587, ClinGen allele CA8681202.